The following is an entry in ClinVar:

NM_206933.4(USH2A):c.7517A>G (p.Tyr2506Cys)

Gene: USH2A (usherin; minus strand). Cytogenetic location: 1q41.
Variant type: single nucleotide variant.
Coding change: c.7517A>G on transcript NM_206933.4 (MANE Select); coding-DNA position 7517, A replaced by G.
Protein change: p.Tyr2506Cys; replaces tyrosine 2506 with cysteine.
Molecular consequence: missense variant.
Genome position (GRCh38, 1-based): chr1:215,900,152, T>C on the plus strand (A>G on the coding strand, the complement: USH2A is on the minus strand). VCF-style: chr1-215900152-T-C. GRCh37 (hg19) VCF-style: chr1-216073494-T-C.
Other names: short protein forms Y2506C.
Identifiers: ClinVar variation 1016969 (VCV001016969.7), dbSNP rs937606032, ClinGen allele CA37451270.
Genomic context (GRCh38, chr1:215,900,152, plus strand): 5'-AATGGAATCCAAGAACTATGTGCACTGCCAAATCCATTGGAGGCAACCAACCGAAACATA[T>C]ACTCTGTGTACGGTTGGAGATCACTCACTTCATAGCTTAACGATGCAGAAGGATTGGAAA-3'
Protein context (NP_996816.3, residues 2496-2516): EVSDLQPYTE[Tyr2506Cys]MFRLVASNGF

ClinVar aggregate classification (germline): Conflicting classifications of pathogenicity. Review status: criteria provided, conflicting classifications (1 of 4 stars). 5 submissions from 4 submitters: Likely pathogenic (1); Uncertain significance (4). Last evaluated 2025-02-05.

Conditions:
Retinitis pigmentosa 39 (RP39). Identifiers: Orphanet 791, MedGen C3151138, MONDO:0013436, OMIM 613809.
Usher syndrome type 2A. Also called: RETINAL DISEASE IN USHER SYNDROME TYPE IIA, MODIFIER OF; USHER SYNDROME, TYPE IIA. Identifiers: Orphanet 231178, Orphanet 886, MedGen C1848634, MONDO:0010169, OMIM 276901.

Allele frequency attached by ClinVar (database versions not stated): gnomAD exomes below 0.00001; gnomAD 0.00002 and 0.00003; TOPMed 0.00002.
gnomAD v4.1: 8 of 1,613,588 alleles (0.0005%); highest among the groups gnomAD compares: African/African-American, 0.0027%; no homozygotes.

Submissions (5):

SingHealth Duke-NUS Institute of Precision Medicine
Classification: Likely pathogenic for Retinitis pigmentosa 39. Last evaluated: 2025-02-05. Review status: criteria provided, single submitter. Criteria: PRISM ACMG Classification Criteria. Collection method: clinical testing. Allele origin: germline. Affected: yes.
Comment: Variant is located in a mutational hotspot where >50% of variants are pathogenic (PM1). Homozygous allele count is less than 0 (PM2). REVEL score is 0.867 (PP3_mod). Variant is found in trans with another pathogenic variant (PM3)

Genome-Nilou Lab
Classification: Uncertain significance for Retinitis pigmentosa 39. Last evaluated: 2023-11-04. Review status: criteria provided, single submitter. Criteria: ACMG Guidelines, 2015. Collection method: clinical testing. Allele origin: germline. Affected: no.

Genome-Nilou Lab
Classification: Uncertain significance for Usher syndrome type 2A. Last evaluated: 2023-11-04. Review status: criteria provided, single submitter. Criteria: ACMG Guidelines, 2015. Collection method: clinical testing. Allele origin: germline. Affected: no.

Labcorp Genetics (formerly Invitae), Labcorp
Classification: Uncertain significance. Last evaluated: 2022-06-27. Review status: criteria provided, single submitter. Criteria: Invitae Variant Classification Sherloc (09022015). Collection method: clinical testing. Allele origin: germline.
Comment: This sequence change replaces tyrosine, which is neutral and polar, with cysteine, which is neutral and slightly polar, at codon 2506 of the USH2A protein (p.Tyr2506Cys). The frequency data for this variant in the population databases is considered unreliable, as metrics indicate poor data quality at this position in the gnomAD database. This variant has not been reported in the literature in individuals affected with USH2A-related conditions. ClinVar contains an entry for this variant (Variation ID: 1016969). Algorithms developed to predict the effect of missense changes on protein structure and function (SIFT, PolyPhen-2, Align-GVGD) all suggest that this variant is likely to be disruptive. Algorithms developed to predict the effect of sequence changes on RNA splicing suggest that this variant may create or strengthen a splice site. In summary, the available evidence is currently insufficient to determine the role of this variant in disease. Therefore, it has been classified as a Variant of Uncertain Significance.

GeneDx
Classification: Uncertain significance. Last evaluated: 2022-03-31. Review status: criteria provided, single submitter. Criteria: GeneDx Variant Classification Process June 2021. Collection method: clinical testing. Allele origin: germline. Affected: yes.
Comment: Not observed at significant frequency in large population cohorts (gnomAD); In silico analysis supports that this missense variant has a deleterious effect on protein structure/function; Has not been previously published as pathogenic or benign to our knowledge